The following is an entry in ClinVar:

ClinVar aggregate classification (germline): Likely pathogenic (1 of 4 stars; one submission).

Conditions:
Torsion dystonia 6 (DYT6). Also called: DYT-THAP1. Identifiers: Orphanet 98806, MedGen C1414216, MONDO:0011264, OMIM 602629.

Submission:

MVZ Medizinische Genetik Mainz
Classification: Likely pathogenic for Torsion dystonia 6. Last evaluated: 2026-04-21. Review status: criteria provided, single submitter. Criteria: UK Practice Guidelines For Variant Classification V4 01 2020. Collection method: clinical testing. Allele origin: germline. Inheritance: Autosomal dominant inheritance. Affected: yes. Observed: 1 variant allele.
Comment: ACMG Criteria: PVS1,PM2_SUP

NM_018105.3(THAP1):c.240_241del (p.Phe81fs)

Gene: THAP1 (THAP domain containing 1; minus strand). Cytogenetic location: 8p11.21.
Variant type: Microsatellite.
Coding change: c.240_241del on transcript NM_018105.3 (MANE Select); coding-DNA positions 240 to 241, 2 bases deleted (AT; older notation c.240_241delAT).
Protein change: p.Phe81fs; shifts the reading frame from phenylalanine 81.
Molecular consequence: frameshift variant. On other transcripts: intron variant (1).
Genome position (GRCh38, 1-based): chr8:42,839,212-42,839,213, AT deleted on the plus strand (AT on the coding strand, the reverse complement: THAP1 is on the minus strand); deleting any 2 consecutive bases within chr8:42,839,212-42,839,215 gives the same sequence; the c. name uses the placement nearest the transcript's 3' end. VCF-style (leftmost placement, unchanged base first): chr8-42839211-AAT-A. GRCh37 (hg19) VCF-style: chr8-42694354-AAT-A.
Other names: c.72-877_72-876del (NM_199003.2); short protein forms F81fs.
Identifiers: ClinVar variation 5038087 (VCV005038087.1).